The following is an entry in ClinVar:

ClinVar aggregate classification (germline): Likely pathogenic (1 of 4 stars; one submission).

Submission:

Labcorp Genetics (formerly Invitae), Labcorp
Classification: Likely pathogenic. Last evaluated: 2022-04-12. Review status: criteria provided, single submitter. Criteria: Invitae Variant Classification Sherloc (09022015). Collection method: clinical testing. Allele origin: germline.
Comment: In summary, the currently available evidence indicates that the variant is pathogenic, but additional data are needed to prove that conclusively. Therefore, this variant has been classified as Likely Pathogenic. This variant is a gross deletion of the genomic region encompassing exon(s) 13-14 of the MYO5B gene. This variant would be expected to be in-frame, preserving the integrity of the reading frame. A similar copy number variant has been observed in individual(s) with clinical features of microvillus inclusion disease (Invitae). Experimental studies and prediction algorithms are not available or were not evaluated, and the functional significance of this variant is currently unknown. This variant disrupts a region of the MYO5B protein in which other variant(s) (p.Leu528Phe) have been observed in individuals with MYO5B-related conditions (PMID: 25111220). This suggests that this is a clinically significant region of the protein, and that variants that disrupt it are likely to be disease-causing.

Literature cited by the submitters: PubMed 25111220.

NC_000018.9:g.(?_47479610)_(47480825_?)del

Gene: MYO5B (myosin VB; minus strand). Cytogenetic location: 18q21.1.
Variant type: Deletion.
Identifiers: ClinVar variation 2423650 (VCV002423650.4).